The following is an entry in ClinVar:

NM_001927.4(DES):c.1349C>A (p.Thr450Asn)

Gene: DES (desmin; plus strand). Cytogenetic location: 2q35.
Variant type: single nucleotide variant.
Coding change: c.1349C>A on transcript NM_001927.4 (MANE Select); coding-DNA position 1349, C replaced by A.
Protein change: p.Thr450Asn; replaces threonine 450 with asparagine.
Molecular consequence: missense variant.
Genome position (GRCh38, 1-based): chr2:219,425,723, C>A. VCF-style: chr2-219425723-C-A. GRCh37 (hg19) VCF-style: chr2-220290445-C-A.
Other names: c.1346C>A, p.Thr449Asn (NM_001382708.1); c.917C>A, p.Thr306Asn (NM_001382709.1); c.1280C>A, p.Thr427Asn (NM_001382710.1); c.1328C>A, p.Thr443Asn (NM_001382711.1); c.1349C>A, p.Thr450Asn (NM_001382712.1); c.1079C>A, p.Thr360Asn (NM_001382713.1); short protein forms T306N, T450N, T427N, T443N, T360N, T449N.
Identifiers: ClinVar variation 1770544 (VCV001770544.5), dbSNP rs1312957576, ClinGen allele CA350698693.

ClinVar aggregate classification (germline): Uncertain significance. Review status: criteria provided, multiple submitters, no conflicts (2 of 4 stars). 2 submissions from 2 submitters: Uncertain significance (2). Last evaluated 2023-09-15.

Conditions:
Cardiovascular phenotype. Identifiers: MedGen CN230736.
Desmin-related myofibrillar myopathy (MFM1). Also called: Desminopathy; Desmin related myopathy (former name); Desmin storage myopathy (former name); MYOFIBRILLAR MYOPATHY WITH ARRHYTHMOGENIC RIGHT VENTRICULAR CARDIOMYOPATHY; DESMIN-RELATED MYOPATHY WITH ARRHYTHMOGENIC RIGHT VENTRICULAR CARDIOMYOPATHY; Myofibrillar myopathy 1. Identifiers: Orphanet 363543, Orphanet 98909, MedGen C1832370, MONDO:0011076, OMIM 601419.

Allele frequency attached by ClinVar (database versions not stated): gnomAD exomes below 0.00001.
gnomAD v4.1: 1 of 1,602,642 alleles (0.000062%); highest among the groups gnomAD compares: African/African-American, 0.0013%; no homozygotes.

Submissions (2):

Labcorp Genetics (formerly Invitae), Labcorp
Classification: Uncertain significance for Desmin-related myofibrillar myopathy. Last evaluated: 2023-09-15. Review status: criteria provided, single submitter. Criteria: Invitae Variant Classification Sherloc (09022015). Collection method: clinical testing. Allele origin: germline.
Comment: In summary, the available evidence is currently insufficient to determine the role of this variant in disease. Therefore, it has been classified as a Variant of Uncertain Significance. Advanced modeling of protein sequence and biophysical properties (such as structural, functional, and spatial information, amino acid conservation, physicochemical variation, residue mobility, and thermodynamic stability) has been performed at Invitae for this missense variant, however the output from this modeling did not meet the statistical confidence thresholds required to predict the impact of this variant on DES protein function. ClinVar contains an entry for this variant (Variation ID: 1770544). This variant has not been reported in the literature in individuals affected with DES-related conditions. The frequency data for this variant in the population databases is considered unreliable, as metrics indicate poor data quality at this position in the gnomAD database. This sequence change replaces threonine, which is neutral and polar, with asparagine, which is neutral and polar, at codon 450 of the DES protein (p.Thr450Asn).

Ambry Genetics
Classification: Uncertain significance for Cardiovascular phenotype. Last evaluated: 2021-01-25. Review status: criteria provided, single submitter. Criteria: Ambry Variant Classification Scheme 2023. Collection method: clinical testing. Allele origin: germline.
Comment: The p.T450N variant (also known as c.1349C>A), located in coding exon 8 of the DES gene, results from a C to A substitution at nucleotide position 1349. The threonine at codon 450 is replaced by asparagine, an amino acid with similar properties. This amino acid position is highly conserved in available vertebrate species. In addition, this alteration is predicted to be deleterious by in silico analysis. Since supporting evidence is limited at this time, the clinical significance of this alteration remains unclear.